The following is an entry in ClinVar:

NM_205861.3(DHDDS):c.125A>G (p.Lys42Arg)

Gene: DHDDS (dehydrodolichyl diphosphate synthase subunit; plus strand). Cytogenetic location: 1p36.11.
Variant type: single nucleotide variant.
Coding change: c.125A>G on transcript NM_205861.3 (MANE Select); coding-DNA position 125, A replaced by G.
Protein change: p.Lys42Arg; replaces lysine 42 with arginine.
Molecular consequence: missense variant. On other transcripts: 5 prime UTR variant (1).
Genome position (GRCh38, 1-based): chr1:26,438,229, A>G. VCF-style: chr1-26438229-A-G. GRCh37 (hg19) VCF-style: chr1-26764720-A-G.
Other names: c.125A>G, p.Lys42Arg (NM_001243564.2, NM_001243565.2, NM_024887.4); c.-178A>G (NM_001319959.2); short protein forms K42R.
Identifiers: ClinVar variation 3007141 (VCV003007141.2), dbSNP rs2524465948, ClinGen allele CA339138757.

ClinVar aggregate classification (germline): Uncertain significance (1 of 4 stars; one submission).

Conditions:
Retinitis pigmentosa 59 (RP59). Identifiers: Orphanet 791, MedGen C3151227, MONDO:0013468, OMIM 613861.

Allele frequency attached by ClinVar (database versions not stated): gnomAD exomes below 0.00001.
gnomAD v4.1: 1 of 1,614,126 alleles (0.000062%); highest among the groups gnomAD compares: Non-Finnish European, 0.000085%; no homozygotes.

Submission:

Labcorp Genetics (formerly Invitae), Labcorp
Classification: Uncertain significance for Retinitis pigmentosa 59. Last evaluated: 2023-03-04. Review status: criteria provided, single submitter. Criteria: Invitae Variant Classification Sherloc (09022015). Collection method: clinical testing. Allele origin: germline.
Comment: Advanced modeling of protein sequence and biophysical properties (such as structural, functional, and spatial information, amino acid conservation, physicochemical variation, residue mobility, and thermodynamic stability) performed at Invitae indicates that this missense variant is not expected to disrupt DHDDS protein function. This variant has not been reported in the literature in individuals affected with DHDDS-related conditions. This variant is not present in population databases (gnomAD no frequency). This sequence change replaces lysine, which is basic and polar, with arginine, which is basic and polar, at codon 42 of the DHDDS protein (p.Lys42Arg). This variant disrupts the p.Lys42 amino acid residue in DHDDS. Other variant(s) that disrupt this residue have been determined to be pathogenic (PMID: 21295282, 21295283, 24664694, 28130426). This suggests that this residue is clinically significant, and that variants that disrupt this residue are likely to be disease-causing. In summary, the available evidence is currently insufficient to determine the role of this variant in disease. Therefore, it has been classified as a Variant of Uncertain Significance.

Literature cited by the submitters: PubMed 21295282; PubMed 21295283; PubMed 24664694; PubMed 28130426.